The following is an entry in ClinVar:

NM_014991.6(WDFY3):c.10345G>A (p.Asp3449Asn)

Gene: WDFY3 (WD repeat and FYVE domain containing 3; minus strand). Cytogenetic location: 4q21.23.
Variant type: single nucleotide variant.
Coding change: c.10345G>A on transcript NM_014991.6 (MANE Select); coding-DNA position 10345, G replaced by A.
Protein change: p.Asp3449Asn; replaces aspartic acid 3449 with asparagine.
Molecular consequence: missense variant.
Genome position (GRCh38, 1-based): chr4:84,677,311, C>T on the plus strand (G>A on the coding strand, the complement: WDFY3 is on the minus strand). VCF-style: chr4-84677311-C-T. GRCh37 (hg19) VCF-style: chr4-85598464-C-T.
Other names: short protein forms D3449N.
Identifiers: ClinVar variation 1311773 (VCV001311773.2), dbSNP rs2148728750, ClinGen allele CA357265210.

ClinVar aggregate classification (germline): Uncertain significance (1 of 4 stars; one submission).

Submission:

GeneDx
Classification: Uncertain significance. Last evaluated: 2020-01-06. Review status: criteria provided, single submitter. Criteria: GeneDx Variant Classification Process June 2021. Collection method: clinical testing. Allele origin: germline. Affected: yes.
Comment: Not observed in large population cohorts (Lek et al., 2016); In silico analysis, which includes protein predictors and evolutionary conservation, supports a deleterious effect; Has not been previously published as pathogenic or benign to our knowledge